The following is an entry in ClinVar:

NM_001386140.1(MTTP):c.1522C>T (p.Leu508Phe)

Gene: MTTP (microsomal triglyceride transfer protein; plus strand). Cytogenetic location: 4q23.
Variant type: single nucleotide variant.
Coding change: c.1522C>T on transcript NM_001386140.1 (MANE Select); coding-DNA position 1522, C replaced by T.
Protein change: p.Leu508Phe; replaces leucine 508 with phenylalanine.
Molecular consequence: missense variant.
Genome position (GRCh38, 1-based): chr4:99,606,925, C>T. VCF-style: chr4-99606925-C-T. GRCh37 (hg19) VCF-style: chr4-100528082-C-T.
Other names: c.1522C>T, p.Leu508Phe (NM_000253.4); c.1273C>T, p.Leu425Phe (NM_001300785.2); short protein forms L508F, L425F.
Identifiers: ClinVar variation 942512 (VCV000942512.4), dbSNP rs1725831612, ClinGen allele CA357511024.

ClinVar aggregate classification (germline): Uncertain significance (1 of 4 stars; one submission).

Allele frequency attached by ClinVar (database versions not stated): gnomAD exomes below 0.00001.
gnomAD v4.1: 1 of 1,613,754 alleles (0.000062%); highest among the groups gnomAD compares: African/African-American, 0.0013%; no homozygotes.

Submission:

Labcorp Genetics (formerly Invitae), Labcorp
Classification: Uncertain significance. Last evaluated: 2021-09-01. Review status: criteria provided, single submitter. Criteria: Invitae Variant Classification Sherloc (09022015). Collection method: clinical testing. Allele origin: germline.
Comment: This sequence change replaces leucine with phenylalanine at codon 508 of the MTTP protein (p.Leu508Phe). The leucine residue is highly conserved and there is a small physicochemical difference between leucine and phenylalanine. This variant is not present in population databases (ExAC no frequency). This variant has not been reported in the literature in individuals affected with MTTP-related conditions. Algorithms developed to predict the effect of missense changes on protein structure and function are either unavailable or do not agree on the potential impact of this missense change (SIFT: "Deleterious"; PolyPhen-2: "Possibly Damaging"; Align-GVGD: "Class C0"). In summary, the available evidence is currently insufficient to determine the role of this variant in disease. Therefore, it has been classified as a Variant of Uncertain Significance.